The following is an entry in ClinVar:

NM_004972.4(JAK2):c.1453A>G (p.Thr485Ala)

Genes: INSL6 (insulin like 6; minus strand), JAK2 (Janus kinase 2; plus strand). Cytogenetic location: 9p24.1.
Variant type: single nucleotide variant.
Coding change: c.1453A>G on transcript NM_004972.4 (MANE Select); coding-DNA position 1453, A replaced by G.
Protein change: p.Thr485Ala; replaces threonine 485 with alanine.
Molecular consequence: missense variant. On other transcripts: non-coding transcript variant (2).
Genome position (GRCh38, 1-based): chr9:5,069,148, A>G. VCF-style: chr9-5069148-A-G. GRCh37 (hg19) VCF-style: chr9-5069148-A-G.
Other names: c.1453A>G, p.Thr485Ala (NM_001322194.2, NM_001322195.2, NM_001322196.2); c.238A>G, p.Thr80Ala (NM_001322198.2, NM_001322199.2); c.1006A>G, p.Thr336Ala (NM_001322204.2); short protein forms T336A, T485A, T80A.
Identifiers: ClinVar variation 5036692 (VCV005036692.1).

ClinVar aggregate classification (germline): Uncertain significance (1 of 4 stars; one submission).

Conditions:
Myeloproliferative neoplasm. Identifiers: Orphanet 98274, MedGen C1292778, MONDO:0020076.

Submission:

Dept of Medical Biology, Uskudar University
Classification: Uncertain significance for Myeloproliferative neoplasm. Last evaluated: 2026-09-16. Review status: criteria provided, single submitter. Criteria: Dept of Medical Biology Variant Classification. Collection method: research. Allele origin: unknown. Affected: yes. Observed: 1 variant allele.
Comment: PM2_supporting: absent from gnomAD v4.1. BP4: computational evidence suggests no impact (SIFT 0.42 tolerated; PolyPhen-2 0.003 benign). Classified as uncertain significance under the ACMG/AMP 2015 guidelines (PMID:25741868). Detected in a retrospective series of 256 BCR::ABL1-negative and JAK2 V617F-negative patients referred for molecular investigation of a suspected myeloproliferative neoplasm (May 2007 to January 2015) and re-interpreted under the ACMG/AMP 2015 criteria.